The following is an entry in ClinVar:

ClinVar aggregate classification (germline): Pathogenic (1 of 4 stars; one submission).

Conditions:
Hereditary breast ovarian cancer syndrome. Also called: BRCA1- and BRCA2-Associated Hereditary Breast and Ovarian Cancer; Hereditary breast and ovarian cancer syndrome (HBOC); Hereditary breast and ovarian cancer syndrome; Hereditary breast and ovarian cancer; Breast and ovarian cancer; Hereditary breast and/or ovarian cancer syndrome. Identifiers: Orphanet 145, MedGen C0677776, MeSH D061325, MONDO:0003582. Disease mechanism: loss of function.

Submission:

Labcorp Genetics (formerly Invitae), Labcorp
Classification: Pathogenic for Hereditary breast ovarian cancer syndrome. Last evaluated: 2021-05-09. Review status: criteria provided, single submitter. Criteria: Invitae Variant Classification Sherloc (09022015). Collection method: clinical testing. Allele origin: germline.
Comment: For these reasons, this variant has been classified as Pathogenic. This variant has not been reported in the literature in individuals with BRCA2-related conditions. This variant is not present in population databases (ExAC no frequency). This sequence change creates a premature translational stop signal (p.Met124Asnfs*6) in the BRCA2 gene. It is expected to result in an absent or disrupted protein product. Loss-of-function variants in BRCA2 are known to be pathogenic (PMID: 20104584).

Literature cited by the submitters: PubMed 20104584.

NM_000059.4(BRCA2):c.370dup (p.Met124fs)

Gene: BRCA2 (BRCA2 DNA repair associated; plus strand). Cytogenetic location: 13q13.1.
Variant type: Duplication.
Coding change: c.370dup on transcript NM_000059.4 (MANE Select); coding-DNA position 370, one base duplicated (A; older notation c.370dupA).
Protein change: p.Met124fs; shifts the reading frame from methionine 124.
Molecular consequence: frameshift variant.
Genome position (GRCh38, 1-based): chr13:32,325,129, A duplicated; the last of 4 consecutive A bases (chr13:32,325,126-32,325,129); duplicating any one gives the same sequence. VCF-style (leftmost placement, unchanged base first): chr13-32325125-T-TA. GRCh37 (hg19) VCF-style: chr13-32899262-T-TA.
Other names: short protein forms M124fs.
Identifiers: ClinVar variation 1396126 (VCV001396126.6), dbSNP rs397507681, ClinGen allele CA2573149247.
Genomic context (GRCh38, chr13:32,325,125, plus strand): 5'-TACTGTTTCAGGAAGGAATGTTCCCAATAGTAGACATAAAAGTCTTCGCACAGTGAAAAC[T>TA]AAAATGGATCAAGCAGATGATGTTTCCTGTCCACTTCTAAATTCTTGTCTTAGTGAAAGG-3'